The following is an entry in ClinVar:

NM_001267550.2(TTN):c.27049+10C>A

Gene: TTN (titin; minus strand). Cytogenetic location: 2q31.2.
Variant type: single nucleotide variant.
Coding change: c.27049+10C>A on transcript NM_001267550.2 (MANE Select); 10 bases into the intron after coding-DNA position 27049, C replaced by A.
Molecular consequence: intron variant.
Genome position (GRCh38, 1-based): chr2:178,713,075, G>T on the plus strand (C>A on the coding strand, the complement: TTN is on the minus strand). VCF-style: chr2-178713075-G-T. GRCh37 (hg19) VCF-style: chr2-179577802-G-T.
Other names: c.13282+25007C>A (NM_003319.4); c.13858+25007C>A (NM_133437.4); c.13657+25007C>A (NM_133432.3); c.23317+10C>A (NM_133378.4); c.26098+10C>A (NM_001256850.1).
Identifiers: ClinVar variation 388978 (VCV000388978.15), dbSNP rs780979988, ClinGen allele CA1999875.

ClinVar aggregate classification (germline): Conflicting classifications of pathogenicity. Review status: criteria provided, conflicting classifications (1 of 4 stars). 7 submissions from 3 submitters: Uncertain significance (3); Benign (3); Likely benign (1). Last evaluated 2025-03-27.

Conditions:
Autosomal recessive limb-girdle muscular dystrophy type 2J (LGMDR10). Also called: Limb-girdle muscular dystrophy, type 2J; MUSCULAR DYSTROPHY, LIMB-GIRDLE, AUTOSOMAL RECESSIVE 10. Identifiers: Orphanet 140922, MedGen C1837342, MONDO:0012127, OMIM 608807.
Dilated cardiomyopathy 1G (CMD1G). Identifiers: Orphanet 154, MedGen C1858763, MONDO:0011400, OMIM 604145.
Early-onset myopathy with fatal cardiomyopathy (CMYO5). Also called: Salih Myopathy; CONGENITAL MYOPATHY 5 WITH CARDIOMYOPATHY. Identifiers: Orphanet 289377, MedGen C2673677, MONDO:0012714, OMIM 611705. Disease mechanism: loss of function.
Tibial muscular dystrophy (TMD). Also called: UDD MYOPATHY; Tibial muscular dystrophy, tardive; Udd Distal Myopathy – Tibial Muscular Dystrophy. Identifiers: Orphanet 609, MedGen C1838244, MONDO:0010870, OMIM 600334.
Myopathy, myofibrillar, 9, with early respiratory failure (MFM9). Also called: EDSTROM MYOPATHY; MYOPATHY, PROXIMAL, WITH EARLY RESPIRATORY MUSCLE INVOLVEMENT; Hereditary myopathy with early respiratory failure; Myopathy, distal, with early respiratory failure, autosomal dominant. Identifiers: Orphanet 178464, Orphanet 34521, MedGen C1863599, MONDO:0011362, OMIM 603689.

Allele frequency attached by ClinVar (database versions not stated): TOPMed 0.00001; gnomAD exomes 0.00004 and 0.00009; ExAC 0.00013.
gnomAD v4.1: 22 of 1,610,772 alleles (0.0014%); highest among the groups gnomAD compares: Admixed American, 0.037%; no homozygotes.

Submissions (7):

Labcorp Genetics (formerly Invitae), Labcorp
Classification: Benign for Dilated cardiomyopathy 1G; Autosomal recessive limb-girdle muscular dystrophy type 2J. Last evaluated: 2025-03-27. Review status: criteria provided, single submitter. Criteria: Invitae Variant Classification Sherloc (09022015). Collection method: clinical testing. Allele origin: germline.

Illumina Laboratory Services, Illumina
Classification: Benign for Tibial muscular dystrophy. Last evaluated: 2018-01-13. Review status: criteria provided, single submitter. Criteria: ICSL Variant Classification Criteria 13 December 2019. Collection method: clinical testing. Allele origin: germline.
Comment: This variant was observed in the ICSL laboratory as part of a predisposition screen in an ostensibly healthy population. It had not been previously curated by ICSL or reported in the Human Gene Mutation Database (HGMD: prior to June 1st, 2018), and was therefore a candidate for classification through an automated scoring system. Utilizing variant allele frequency, disease prevalence and penetrance estimates, and inheritance mode, an automated score was calculated to assess if this variant is too frequent to cause the disease. Based on the score and internal cut-off values, a variant classified as benign is not then subjected to further curation. The score for this variant resulted in a classification of benign for this disease.

Illumina Laboratory Services, Illumina
Classification: Uncertain significance for Dilated cardiomyopathy 1G. Last evaluated: 2018-01-13. Review status: criteria provided, single submitter. Criteria: ICSL Variant Classification Criteria 13 December 2019. Collection method: clinical testing. Allele origin: germline.

Illumina Laboratory Services, Illumina
Classification: Benign for Myopathy, myofibrillar, 9, with early respiratory failure. Last evaluated: 2018-01-13. Review status: criteria provided, single submitter. Criteria: ICSL Variant Classification Criteria 13 December 2019. Collection method: clinical testing. Allele origin: germline.
Comment: the same text as in the submission from Illumina Laboratory Services, Illumina above.

Illumina Laboratory Services, Illumina
Classification: Uncertain significance for Early-onset myopathy with fatal cardiomyopathy. Last evaluated: 2018-01-13. Review status: criteria provided, single submitter. Criteria: ICSL Variant Classification Criteria 13 December 2019. Collection method: clinical testing. Allele origin: germline.

Illumina Laboratory Services, Illumina
Classification: Uncertain significance for Autosomal recessive limb-girdle muscular dystrophy type 2J. Last evaluated: 2018-01-13. Review status: criteria provided, single submitter. Criteria: ICSL Variant Classification Criteria 13 December 2019. Collection method: clinical testing. Allele origin: germline.

GeneDx
Classification: Likely benign. Last evaluated: 2017-04-19. Review status: criteria provided, single submitter. Criteria: GeneDx Variant Classification (06012015). Collection method: clinical testing. Allele origin: germline. Affected: yes.
Comment: This variant is considered likely benign or benign based on one or more of the following criteria: it is a conservative change, it occurs at a poorly conserved position in the protein, it is predicted to be benign by multiple in silico algorithms, and/or has population frequency not consistent with disease.